The following is an entry in ClinVar:

NM_000138.5(FBN1):c.2113+1G>C

Gene: FBN1 (fibrillin 1; minus strand). Cytogenetic location: 15q21.1.
Variant type: single nucleotide variant.
Coding change: c.2113+1G>C on transcript NM_000138.5 (MANE Select); the canonical splice donor site of the intron after coding-DNA position 2113, G replaced by C.
Molecular consequence: splice donor variant.
Genome position (GRCh38, 1-based): chr15:48,503,786, C>G on the plus strand (G>C on the coding strand, the complement: FBN1 is on the minus strand). VCF-style: chr15-48503786-C-G. GRCh37 (hg19) VCF-style: chr15-48795983-C-G.
Other names: c.2113+1G>C (NM_001406716.1).
Identifiers: ClinVar variation 568188 (VCV000568188.9), dbSNP rs1566913670, ClinGen allele CA392337850.

ClinVar aggregate classification (germline): Pathogenic. Review status: criteria provided, multiple submitters, no conflicts (2 of 4 stars). 3 submissions from 3 submitters: Pathogenic (2). 1 of the submissions does not count toward it. Last evaluated 2022-09-01.

Conditions:
Marfan syndrome (MFS). Also called: FBN1-Related Marfan Syndrome; Marfan syndrome type 1; Marfan's syndrome; Marfan syndrome, classic; MARFAN SYNDROME, TYPE I. Identifiers: Orphanet 284963, Orphanet 558, MedGen C0024796, MONDO:0007947, OMIM 154700.
Familial thoracic aortic aneurysm and aortic dissection (TAAD). Also called: Thoracic aortic aneurysms and dissections. Identifiers: Orphanet 91387, MedGen C4707243, MONDO:0019625.

Submissions (3):

Labcorp Genetics (formerly Invitae), Labcorp
Classification: Pathogenic for Marfan syndrome; Familial thoracic aortic aneurysm and aortic dissection. Last evaluated: 2022-09-01. Review status: criteria provided, single submitter. Criteria: Invitae Variant Classification Sherloc (09022015). Collection method: clinical testing. Allele origin: germline.
Comment: This sequence change affects a donor splice site in intron 17 of the FBN1 gene. It is expected to disrupt RNA splicing. Variants that disrupt the donor or acceptor splice site typically lead to a loss of protein function (PMID: 16199547), and loss-of-function variants in FBN1 are known to be pathogenic (PMID: 17657824, 19293843). This variant is not present in population databases (gnomAD no frequency). For these reasons, this variant has been classified as Pathogenic. This variant disrupts the c.2113+1G nucleotide in the FBN1 gene. Other variant(s) that disrupt this nucleotide have been determined to be pathogenic (PMID: 26787436). This suggests that this nucleotide is clinically significant, and that variants that disrupt this position are likely to be disease-causing. Algorithms developed to predict the effect of sequence changes on RNA splicing suggest that this variant may disrupt the consensus splice site. ClinVar contains an entry for this variant (Variation ID: 568188). Disruption of this splice site has been observed in individual(s) with Marfan syndrome (PMID: 31730815).

GeneDx
Classification: Pathogenic. Last evaluated: 2022-04-01. Review status: criteria provided, single submitter. Criteria: GeneDx Variant Classification Process June 2021. Collection method: clinical testing. Allele origin: germline. Affected: yes.
Comment: Not observed at significant frequency in large population cohorts (gnomAD); Canonical splice site variant expected to result in aberrant splicing with the adjacent exon in frame; deletions involving coding exons of this gene are a known mechanism of disease (HGMD); This variant is associated with the following publications: (PMID: 31730815)

Sangiuolo Lab - Medical Genetics Laboratory, Tor Vergata University
Classification: Pathogenic for Marfan syndrome. Last evaluated: 2019-06-06. Review status: no assertion criteria provided. Collection method: clinical testing. Allele origin: germline. Affected: yes. Not counted in ClinVar's aggregate classification.

Literature cited by the submitters: PubMed 16199547 (cited by Labcorp Genetics (formerly Invitae), Labcorp); PubMed 17657824 (cited by Labcorp Genetics (formerly Invitae), Labcorp); PubMed 19293843 (cited by Labcorp Genetics (formerly Invitae), Labcorp); PubMed 26787436 (cited by Labcorp Genetics (formerly Invitae), Labcorp); PubMed 31730815 (cited by Labcorp Genetics (formerly Invitae), Labcorp and Sangiuolo Lab - Medical Genetics Laboratory, Tor Vergata University).